The following is an entry in ClinVar:

ClinVar aggregate classification (germline): Likely pathogenic (1 of 4 stars; one submission).

Conditions:
5-Oxoprolinase deficiency (OPLAHD). Also called: 5-OXOPROLINURIA DUE TO 5-OXOPROLINASE DEFICIENCY. Identifiers: Orphanet 33572, MedGen C0268525, MONDO:0009825, OMIM 260005, HP:0040142.

Submission:

Labcorp Genetics (formerly Invitae), Labcorp
Classification: Likely pathogenic for 5-Oxoprolinase deficiency. Last evaluated: 2024-06-29. Review status: criteria provided, single submitter. Criteria: Invitae Variant Classification Sherloc (09022015). Collection method: clinical testing. Allele origin: germline.
Comment: This sequence change affects an acceptor splice site in intron 12 of the OPLAH gene. It is expected to disrupt RNA splicing. Variants that disrupt the donor or acceptor splice site typically lead to a loss of protein function (PMID: 16199547), and loss-of-function variants in OPLAH are known to be pathogenic (PMID: 21651516, 27477828). This variant is not present in population databases (gnomAD no frequency). This variant has not been reported in the literature in individuals affected with OPLAH-related conditions. Algorithms developed to predict the effect of sequence changes on RNA splicing suggest that this variant may disrupt the consensus splice site. In summary, the currently available evidence indicates that the variant is pathogenic, but additional data are needed to prove that conclusively. Therefore, this variant has been classified as Likely Pathogenic.

Literature cited by the submitters: PubMed 16199547; PubMed 21651516; PubMed 27477828.

NM_017570.5(OPLAH):c.1707-2A>G

Gene: OPLAH (5-oxoprolinase, ATP-hydrolysing; minus strand). Cytogenetic location: 8q24.3.
Variant type: single nucleotide variant.
Coding change: c.1707-2A>G on transcript NM_017570.5 (MANE Select); the canonical splice acceptor site of the intron before coding-DNA position 1707, A replaced by G.
Molecular consequence: splice acceptor variant.
Genome position (GRCh38, 1-based): chr8:144,056,757, T>C on the plus strand (A>G on the coding strand, the complement: OPLAH is on the minus strand). VCF-style: chr8-144056757-T-C. GRCh37 (hg19) VCF-style: chr8-145111660-T-C.
Identifiers: ClinVar variation 3630808 (VCV003630808.2).